The following is an entry in ClinVar:

ClinVar aggregate classification (germline): Uncertain significance (1 of 4 stars; one submission).

Allele frequency attached by ClinVar (database versions not stated): gnomAD exomes below 0.00001; TOPMed below 0.00001; gnomAD 0.00001.
gnomAD v4.1: 2 of 1,613,824 alleles (0.00012%); highest among the groups gnomAD compares: Non-Finnish European, 0.00017%; no homozygotes.

Submission:

Labcorp Genetics (formerly Invitae), Labcorp
Classification: Uncertain significance. Last evaluated: 2023-12-14. Review status: criteria provided, single submitter. Criteria: Invitae Variant Classification Sherloc (09022015). Collection method: clinical testing. Allele origin: germline.
Comment: This sequence change replaces serine, which is neutral and polar, with threonine, which is neutral and polar, at codon 455 of the EGF protein (p.Ser455Thr). This variant is present in population databases (no rsID available, gnomAD 0.0009%). This variant has not been reported in the literature in individuals affected with EGF-related conditions. An algorithm developed to predict the effect of missense changes on protein structure and function (PolyPhen-2) suggests that this variant is likely to be tolerated. In summary, the available evidence is currently insufficient to determine the role of this variant in disease. Therefore, it has been classified as a Variant of Uncertain Significance.

NM_001963.6(EGF):c.1364G>C (p.Ser455Thr)

Gene: EGF (epidermal growth factor; plus strand). Cytogenetic location: 4q25.
Variant type: single nucleotide variant.
Coding change: c.1364G>C on transcript NM_001963.6 (MANE Select); coding-DNA position 1364, G replaced by C.
Protein change: p.Ser455Thr; replaces serine 455 with threonine.
Molecular consequence: missense variant.
Genome position (GRCh38, 1-based): chr4:109,963,224, G>C. VCF-style: chr4-109963224-G-C. GRCh37 (hg19) VCF-style: chr4-110884380-G-C.
Other names: c.1364G>C, p.Ser455Thr (NM_001178130.3); c.1238G>C, p.Ser413Thr (NM_001178131.3, NM_001357021.2); short protein forms S413T, S455T.
Identifiers: ClinVar variation 2993345 (VCV002993345.3), dbSNP rs991882907, ClinGen allele CA103725895.